The following is an entry in ClinVar:

NM_014324.6(AMACR):c.61G>T (p.Ala21Ser)

Genes: C1QTNF3-AMACR (C1QTNF3-AMACR readthrough (NMD candidate); minus strand), AMACR (alpha-methylacyl-CoA racemase; minus strand). Cytogenetic location: 5p13.2.
Variant type: single nucleotide variant.
Coding change: c.61G>T on transcript NM_014324.6 (MANE Select); coding-DNA position 61, G replaced by T.
Protein change: p.Ala21Ser; replaces alanine 21 with serine.
Molecular consequence: missense variant.
Genome position (GRCh38, 1-based): chr5:34,007,959, C>A on the plus strand (G>T on the coding strand, the complement: AMACR is on the minus strand). VCF-style: chr5-34007959-C-A. GRCh37 (hg19) VCF-style: chr5-34008064-C-A.
Other names: c.61G>T, p.Ala21Ser (NM_001167595.2, NM_203382.3); short protein forms A21S.
Identifiers: ClinVar variation 1385792 (VCV001385792.8), dbSNP rs2112078509, ClinGen allele CA359385411.

ClinVar aggregate classification (germline): Uncertain significance (1 of 4 stars; one submission).

Conditions:
Alpha-methylacyl-CoA racemase deficiency (AMACRD). Also called: AMACR deficiency. Identifiers: Orphanet 79095, MedGen C3280428, MONDO:0013681, OMIM 614307. Disease mechanism: loss of function.

Submission:

Labcorp Genetics (formerly Invitae), Labcorp
Classification: Uncertain significance for Alpha-methylacyl-CoA racemase deficiency. Last evaluated: 2022-08-31. Review status: criteria provided, single submitter. Criteria: Invitae Variant Classification Sherloc (09022015). Collection method: clinical testing. Allele origin: germline.
Comment: Algorithms developed to predict the effect of missense changes on protein structure and function are either unavailable or do not agree on the potential impact of this missense change (SIFT: "Deleterious"; PolyPhen-2: "Benign"; Align-GVGD: "Class C0"). This sequence change replaces alanine, which is neutral and non-polar, with serine, which is neutral and polar, at codon 21 of the AMACR protein (p.Ala21Ser). This variant is not present in population databases (gnomAD no frequency). This variant has not been reported in the literature in individuals affected with AMACR-related conditions. ClinVar contains an entry for this variant (Variation ID: 1385792). In summary, the available evidence is currently insufficient to determine the role of this variant in disease. Therefore, it has been classified as a Variant of Uncertain Significance.